The following is an entry in ClinVar:

NM_001384732.1(CPLANE1):c.3667C>T (p.Gln1223Ter)

Gene: CPLANE1 (ciliogenesis and planar polarity effector complex subunit 1; minus strand). Cytogenetic location: 5p13.2.
Variant type: single nucleotide variant.
Coding change: c.3667C>T on transcript NM_001384732.1 (MANE Select); coding-DNA position 3667, C replaced by T.
Protein change: p.Gln1223Ter; replaces glutamine 1223 with a stop codon.
Molecular consequence: nonsense.
Genome position (GRCh38, 1-based): chr5:37,198,707, G>A on the plus strand (C>T on the coding strand, the complement: CPLANE1 is on the minus strand). VCF-style: chr5-37198707-G-A. GRCh37 (hg19) VCF-style: chr5-37198809-G-A.
Other names: c.3667C>T, p.Gln1223Ter (NM_023073.4); short protein forms Q1223*.
Identifiers: ClinVar variation 4279690 (VCV004279690.1).
Genomic context (GRCh38, chr5:37,198,707, plus strand): 5'-AAATATGAGTAATTTCAGTTAACACAGCATGTAAATGACTAAGATATTTCCATACCTTCT[G>A]CATGACTTTTCTTGCCCACCTCAACTGCAATATATACCACTGTGCTACAGGAAAAGAACA-3'

ClinVar aggregate classification (germline): Pathogenic (1 of 4 stars; one submission).

Conditions:
CPLANE1-related disorder. Also called: CPLANE1-related condition.

Submission:

Daryl Scott Lab, Baylor College of Medicine
Classification: Pathogenic for CPLANE1-related disorder. Last evaluated: 2025-08-25. Review status: criteria provided, single submitter. Criteria: ACMG Guidelines, 2015. Collection method: clinical testing. Allele origin: unknown. Affected: yes. Observed: 1 compound heterozygote.
Comment: PVS1, PM2, PM3